The following is an entry in ClinVar:

ClinVar aggregate classification (germline): Benign (1 of 4 stars; one submission).

Conditions:
Familial adenomatous polyposis 1 (FAP1). Also called: POLYPOSIS, ADENOMATOUS INTESTINAL; FAMILIAL ADENOMATOUS POLYPOSIS 1, ATTENUATED. Identifiers: MedGen C2713442, MONDO:0021056, OMIM 175100. Disease mechanism: loss of function.

Submission:

Myriad Genetics, Inc.
Classification: Benign for Familial adenomatous polyposis 1. Last evaluated: 2024-04-11. Review status: criteria provided, single submitter. Criteria: Myriad Autosomal Dominant, Autosomal Recessive and X-Linked Classification Criteria (2023). Collection method: clinical testing. Allele origin: unknown.
Comment: This variant is considered benign. This variant is a silent/synonymous amino acid change and it is not expected to impact splicing.

NM_000038.6(APC):c.7833A>T (p.Thr2611=)

Gene: APC (APC regulator of Wnt signaling pathway; plus strand). Cytogenetic location: 5q22.2.
Variant type: single nucleotide variant.
Coding change: c.7833A>T on transcript NM_000038.6 (MANE Select); coding-DNA position 7833, A replaced by T.
Protein change: p.Thr2611=; no amino-acid change (threonine 2611 retained).
Molecular consequence: synonymous variant. On other transcripts: non-coding transcript variant (2).
Genome position (GRCh38, 1-based): chr5:112,843,427, A>T. VCF-style: chr5-112843427-A-T. GRCh37 (hg19) VCF-style: chr5-112179124-A-T.
Other names: c.7833A>T, p.Thr2611= (NM_001127510.3, NM_001354895.2, NM_001407450.1); c.7779A>T, p.Thr2593= (NM_001127511.3); c.7887A>T, p.Thr2629= (NM_001354896.2, NM_001407447.1, NM_001407448.1 and 1 more transcripts); c.7863A>T, p.Thr2621= (NM_001354897.2); c.7758A>T, p.Thr2586= (NM_001354898.2); c.7749A>T, p.Thr2583= (NM_001354899.2); c.7710A>T, p.Thr2570= (NM_001354900.2); c.7656A>T, p.Thr2552= (NM_001354901.2, NM_001407453.1); and 11 more.
Identifiers: ClinVar variation 3253941 (VCV003253941.1), dbSNP rs1057520909.